The following is an entry in ClinVar:

ClinVar aggregate classification (germline): Pathogenic/Likely pathogenic. Review status: criteria provided, multiple submitters, no conflicts (2 of 4 stars). 2 submissions from 2 submitters: Pathogenic (1); Likely pathogenic (1). Last evaluated 2023-04-03.

Conditions:
NF1-related disorder. Also called: NF1-related condition. Identifiers: MedGen CN379171.
Neurofibromatosis, type 1 (NF1). Also called: VON RECKLINGHAUSEN DISEASE; NEUROFIBROMATOSIS, TYPE I, SOMATIC; Peripheral type neurofibromatosis; Neurofibromatosis, type I. Identifiers: Orphanet 636, MedGen C0027831, MONDO:0018975, OMIM 162200. Disease mechanism: loss of function.

Submissions (2):

Blueprint Genetics
Classification: Likely pathogenic for NF1-related disorders. Last evaluated: 2023-04-03. Review status: criteria provided, single submitter. Criteria: ACMG Guidelines, 2015. Collection method: clinical testing. Allele origin: germline. Affected: yes. Observed: 1 variant allele.

Labcorp Genetics (formerly Invitae), Labcorp
Classification: Pathogenic for Neurofibromatosis, type 1. Last evaluated: 2022-05-26. Review status: criteria provided, single submitter. Criteria: Invitae Variant Classification Sherloc (09022015). Collection method: clinical testing. Allele origin: germline.
Comment: For these reasons, this variant has been classified as Pathogenic. This variant has not been reported in the literature in individuals affected with NF1-related conditions. This variant is not present in population databases (gnomAD no frequency). This sequence change creates a premature translational stop signal (p.Ser1917Lysfs*3) in the NF1 gene. It is expected to result in an absent or disrupted protein product. Loss-of-function variants in NF1 are known to be pathogenic (PMID: 10712197, 23913538).

Literature cited by the submitters: PubMed 10712197 (cited by Labcorp Genetics (formerly Invitae), Labcorp); PubMed 23913538 (cited by Labcorp Genetics (formerly Invitae), Labcorp).

NM_001042492.3(NF1):c.5812dup (p.Ser1938fs)

Gene: NF1 (neurofibromin 1; plus strand). Cytogenetic location: 17q11.2.
Variant type: Duplication.
Coding change: c.5812dup on transcript NM_001042492.3 (MANE Select); coding-DNA position 5812, one base duplicated (A; older notation c.5812dupA).
Protein change: p.Ser1938fs; shifts the reading frame from serine 1938.
Molecular consequence: frameshift variant.
Genome position (GRCh38, 1-based): chr17:31,330,498, A duplicated. VCF-style (leftmost placement, unchanged base first): chr17-31330497-T-TA. GRCh37 (hg19) VCF-style: chr17-29657515-T-TA.
Other names: c.5749dup, p.Ser1917Lysfs (NM_000267.4); short protein forms S1917fs, S1938fs.
Identifiers: ClinVar variation 1999174 (VCV001999174.5), dbSNP rs2508719790, ClinGen allele CA2580093401.